The following is an entry in ClinVar:

ClinVar aggregate classification (germline): Uncertain significance (1 of 4 stars; one submission).

Allele frequency attached by ClinVar (database versions not stated): gnomAD 0.00001; 1000 Genomes Project 30x 0.00016; 1000 Genomes Project 0.00020.

Submission:

Labcorp Genetics (formerly Invitae), Labcorp
Classification: Uncertain significance. Last evaluated: 2023-12-27. Review status: criteria provided, single submitter. Criteria: Invitae Variant Classification Sherloc (09022015). Collection method: clinical testing. Allele origin: germline.
Comment: This sequence change replaces alanine, which is neutral and non-polar, with glutamic acid, which is acidic and polar, at codon 132 of the HNF4A protein (p.Ala132Glu). This variant is not present in population databases (gnomAD no frequency). This variant has not been reported in the literature in individuals affected with HNF4A-related conditions. Advanced modeling of protein sequence and biophysical properties (such as structural, functional, and spatial information, amino acid conservation, physicochemical variation, residue mobility, and thermodynamic stability) has been performed at Invitae for this missense variant, however the output from this modeling did not meet the statistical confidence thresholds required to predict the impact of this variant on HNF4A protein function. In summary, the available evidence is currently insufficient to determine the role of this variant in disease. Therefore, it has been classified as a Variant of Uncertain Significance.

NM_175914.5(HNF4A):c.395C>A (p.Ala132Glu)

Gene: HNF4A (hepatocyte nuclear factor 4 alpha; plus strand). Cytogenetic location: 20q13.12.
Variant type: single nucleotide variant.
Coding change: c.395C>A on transcript NM_175914.5 (MANE Select); coding-DNA position 395, C replaced by A.
Protein change: p.Ala132Glu; replaces alanine 132 with glutamic acid.
Molecular consequence: missense variant.
Genome position (GRCh38, 1-based): chr20:44,413,769, C>A. VCF-style: chr20-44413769-C-A. GRCh37 (hg19) VCF-style: chr20-43042409-C-A.
Other names: c.461C>A, p.Ala154Glu (NM_000457.6, NM_178849.3, NM_178850.3); c.395C>A, p.Ala132Glu (NM_001030003.3, NM_001030004.3); c.440C>A, p.Ala147Glu (NM_001258355.2); c.386C>A, p.Ala129Glu (NM_001287182.2, NM_001287183.2, NM_001287184.2); short protein forms A132E, A154E, A147E, A129E.
Identifiers: ClinVar variation 2809249 (VCV002809249.3), dbSNP rs147342965, ClinGen allele CA9870238.